The following is an entry in ClinVar:

ClinVar aggregate classification (germline): Pathogenic. Review status: reviewed by expert panel (3 of 4 stars). 3 submissions from 3 submitters: Pathogenic (1). 2 of the submissions do not count toward it. Last evaluated 2016-09-08.

Conditions:
Breast-ovarian cancer, familial, susceptibility to, 2 (BROVCA2). Also called: BRCA2 Hereditary Breast and Ovarian Cancer. Identifiers: Orphanet 145, MedGen C2675520, MONDO:0012933, OMIM 612555. Disease mechanism: loss of function.

Submissions (3):

Evidence-based Network for the Interpretation of Germline Mutant Alleles (ENIGMA)
Classification: Pathogenic for Breast-ovarian cancer, familial, susceptibility to, 2. Last evaluated: 2016-09-08. Review status: reviewed by expert panel. Criteria: ENIGMA BRCA1/2 Classification Criteria (2015). Collection method: curation. Allele origin: germline.
Comment: Variant allele predicted to encode a truncated non-functional protein.

Consortium of Investigators of Modifiers of BRCA1/2 (CIMBA), c/o University of Cambridge
Classification: Pathogenic for Breast-ovarian cancer, familial, susceptibility to, 2. Last evaluated: 2015-10-02. Review status: criteria provided, single submitter. Criteria: CIMBA Mutation Classification guidelines May 2016. Collection method: clinical testing. Allele origin: germline. Not counted in ClinVar's aggregate classification.

Breast Cancer Information Core (BIC) (BRCA2)
Classification: Pathogenic for Breast-ovarian cancer, familial 2. Last evaluated: 1998-04-02. Review status: no assertion criteria provided. Collection method: clinical testing. Allele origin: germline. Affected: yes. Observed: 2 variant alleles. Not counted in ClinVar's aggregate classification.

NM_000059.4(BRCA2):c.1854_1855insA (p.Gln619fs)

Gene: BRCA2 (BRCA2 DNA repair associated; plus strand). Cytogenetic location: 13q13.1.
Variant type: Insertion.
Coding change: c.1854_1855insA on transcript NM_000059.4 (MANE Select); coding-DNA positions 1854 to 1855, A inserted.
Protein change: p.Gln619fs; shifts the reading frame from glutamine 619.
Molecular consequence: frameshift variant.
Genome position: GRCh38 VCF-style: chr13-32333332-C-CA. GRCh37 (hg19) VCF-style: chr13-32907469-C-CA.
Other names: 2082insA; short protein forms Q619fs.
Identifiers: ClinVar variation 125970 (VCV000125970.3), dbSNP rs80359313, ClinGen allele CA013606.